The following is an entry in ClinVar:

ClinVar aggregate classification (germline): Uncertain significance (1 of 4 stars; one submission).

Conditions:
Hereditary cancer-predisposing syndrome. Also called: Neoplastic Syndromes, Hereditary; Tumor predisposition; Hereditary Cancer Syndrome; Hereditary neoplastic syndrome. Identifiers: Orphanet 140162, MedGen C0027672, MeSH D009386, MONDO:0015356.

Submission:

Ambry Genetics
Classification: Uncertain significance for Hereditary cancer-predisposing syndrome. Last evaluated: 2020-06-12. Review status: criteria provided, single submitter. Criteria: Ambry Variant Classification Scheme 2023. Collection method: clinical testing. Allele origin: germline.
Comment: The p.Q268K variant (also known as c.802C>A), located in coding exon 10 of the MUTYH gene, results from a C to A substitution at nucleotide position 802. The glutamine at codon 268 is replaced by lysine, an amino acid with similar properties. This amino acid position is not well conserved in available vertebrate species. In addition, this alteration is predicted to be tolerated by in silico analysis. Since supporting evidence is limited at this time, the clinical significance of this alteration remains unclear.

NM_001048174.2(MUTYH):c.718C>A (p.Gln240Lys)

Gene: MUTYH (mutY DNA glycosylase; minus strand). Cytogenetic location: 1p34.1.
Variant type: single nucleotide variant.
Coding change: c.718C>A on transcript NM_001048174.2 (MANE Select); coding-DNA position 718, C replaced by A.
Protein change: p.Gln240Lys; replaces glutamine 240 with lysine.
Molecular consequence: missense variant. On other transcripts: non-coding transcript variant (2).
Genome position (GRCh38, 1-based): chr1:45,332,297, G>T on the plus strand (C>A on the coding strand, the complement: MUTYH is on the minus strand). VCF-style: chr1-45332297-G-T. GRCh37 (hg19) VCF-style: chr1-45797969-G-T.
Other names: c.718C>A, p.Gln240Lys (NM_001048171.2, NM_001048173.2, NM_001293195.2 and 6 more transcripts); c.721C>A, p.Gln241Lys (NM_001048172.2, NM_001407071.1, NM_001407078.1 and 1 more transcripts); c.802C>A, p.Gln268Lys (NM_001128425.2); c.763C>A, p.Gln255Lys (NM_001293190.2); c.751C>A, p.Gln251Lys (NM_001293191.2, NM_001407069.1, NM_001407077.1); c.442C>A, p.Gln148Lys (NM_001293192.2, NM_001293196.2, NM_001407091.1); c.373C>A, p.Gln125Lys (NM_001350650.2, NM_001350651.2, NM_001407082.1); c.634C>A, p.Gln212Lys (NM_001407075.1); and 5 more; short protein forms Q212K, Q227K, Q240K, Q255K, Q148K, Q247K, Q254K, Q125K.
Identifiers: ClinVar variation 1761726 (VCV001761726.2), dbSNP rs2149140738, ClinGen allele CA340134703.
Genomic context (GRCh38, chr1:45,332,297, plus strand): 5'-TGGCCCCTAGCTCCATGGCTGCTTGGTTGAAATCTCCTGGCCGGGCTGGGTCCACCAGCT[G>T]CTGGGCTAGACCCCTAAAAGAAGGGAACACTGCTGTGAAGCAGAGCTCCTTTGCAGACAC-3'
Protein context (NP_001041639.1, residues 230-250): VSQQLWGLAQ[Gln240Lys]LVDPARPGDF